The following is an entry in ClinVar:

NM_000548.5(TSC2):c.4279A>G (p.Ser1427Gly)

Gene: TSC2 (TSC complex subunit 2; plus strand). Cytogenetic location: 16p13.3.
Variant type: single nucleotide variant.
Coding change: c.4279A>G on transcript NM_000548.5 (MANE Select); coding-DNA position 4279, A replaced by G.
Protein change: p.Ser1427Gly; replaces serine 1427 with glycine.
Molecular consequence: missense variant.
Genome position (GRCh38, 1-based): chr16:2,084,501, A>G. VCF-style: chr16-2084501-A-G. GRCh37 (hg19) VCF-style: chr16-2134502-A-G.
Other names: c.4078A>G, p.Ser1360Gly (NM_001077183.3); c.4210A>G, p.Ser1404Gly (NM_001114382.3); c.3970A>G, p.Ser1324Gly (NM_001318827.2); c.3934A>G, p.Ser1312Gly (NM_001318829.2); c.3547A>G, p.Ser1183Gly (NM_001318831.2); c.4111A>G, p.Ser1371Gly (NM_001318832.2); c.4081A>G, p.Ser1361Gly (NM_001363528.2); c.4147A>G, p.Ser1383Gly (NM_001370404.1); and 1 more; short protein forms S1360G, S1383G, S1361G, S1183G, S1384G, S1312G, S1324G, S1371G.
Identifiers: ClinVar variation 837127 (VCV000837127.13), dbSNP rs1248855623, ClinGen allele CA394300822.
Genomic context (GRCh38, chr16:2,084,501, plus strand): 5'-GTGGGCCGGCTGAGCCCTGAGGTTAAGGCCCGGTCACAGTCAGGGACCCTGGACGGGGAA[A>G]GTGCTGCCTGGTCGGCCTCGGGCGAAGACAGTCGGGGCCAGCCCGAGGGTCCCTTGCCTT-3'
Protein context (NP_000539.2, residues 1417-1437): RSQSGTLDGE[Ser1427Gly]AAWSASGEDS

ClinVar aggregate classification (germline): Conflicting classifications of pathogenicity. Review status: criteria provided, conflicting classifications (1 of 4 stars). 4 submissions from 4 submitters: Uncertain significance (1); Benign (1); Likely benign (2). Last evaluated 2025-06-03.

Conditions:
Hereditary cancer-predisposing syndrome. Also called: Neoplastic Syndromes, Hereditary; Hereditary neoplastic syndrome; Tumor predisposition; Hereditary Cancer Syndrome. Identifiers: Orphanet 140162, MedGen C0027672, MeSH D009386, MONDO:0015356.
Tuberous sclerosis 2 (TSC2). Identifiers: Orphanet 805, MedGen C1860707, MONDO:0013199, OMIM 613254.

Allele frequency attached by ClinVar (database versions not stated): gnomAD exomes 0.00001.
gnomAD v4.1: 9 of 1,609,570 alleles (0.00056%); highest among the groups gnomAD compares: South Asian, 0.0077%; no homozygotes.

Submissions (4):

Myriad Genetics, Inc.
Classification: Likely benign for Tuberous sclerosis 2. Last evaluated: 2025-06-03. Review status: criteria provided, single submitter. Criteria: Myriad Autosomal Dominant, Autosomal Recessive and X-Linked Classification Criteria (2023). Collection method: clinical testing. Allele origin: unknown.
Comment: This variant is considered likely benign. This variant has been observed at a population frequency that is significantly greater than expected given the associated disease prevalence and penetrance.

Neuberg Centre For Genomic Medicine, NCGM
Classification: Uncertain significance for Tuberous sclerosis 2. Last evaluated: 2023-05-20. Review status: criteria provided, single submitter. Criteria: ACMG Guidelines, 2015. Collection method: clinical testing. Allele origin: germline. Inheritance: Autosomal dominant inheritance. Affected: yes.
Comment: The observed missense c.4279A>G (p.Ser1427Gly) variant in TSC2 gene has not been reported previously as a pathogenic variant nor as a benign variant, to our knowledge. The p.Ser1427Gly variant is present with allele frequency of 0.001% in gnomAD Exomes. This variant has been submitted to the ClinVar database as Uncertain Significance. The reference amino acid of p.Ser1427Gly in TSC2 is predicted as conserved by GERP++ and PhyloP across 100 vertebrates. The amino acid Ser at position 1427 is changed to a Gly changing protein sequence and it might alter its composition and physico-chemical properties. For these reasons, this variant has been classified as a Variant of Uncertain Significance (VUS).

Ambry Genetics
Classification: Likely benign for Hereditary cancer-predisposing syndrome. Last evaluated: 2023-05-17. Review status: criteria provided, single submitter. Criteria: Ambry Variant Classification Scheme 2023. Collection method: clinical testing. Allele origin: germline.

Labcorp Genetics (formerly Invitae), Labcorp
Classification: Benign for Tuberous sclerosis 2. Last evaluated: 2023-05-01. Review status: criteria provided, single submitter. Criteria: Invitae Variant Classification Sherloc (09022015). Collection method: clinical testing. Allele origin: germline.